The following is an entry in ClinVar:

NM_012079.6(DGAT1):c.428_429del (p.Phe143fs)

Gene: DGAT1 (diacylglycerol O-acyltransferase 1; minus strand). Cytogenetic location: 8q24.3.
Variant type: Deletion.
Coding change: c.428_429del on transcript NM_012079.6 (MANE Select); coding-DNA positions 428 to 429, 2 bases deleted (TT; older notation c.428_429delTT).
Protein change: p.Phe143fs; shifts the reading frame from phenylalanine 143.
Molecular consequence: frameshift variant.
Genome position (GRCh38, 1-based): chr8:144,318,738-144,318,739, AA deleted on the plus strand (TT on the coding strand, the reverse complement: DGAT1 is on the minus strand); deleting any 2 consecutive bases within chr8:144,318,738-144,318,740 gives the same sequence; the c. name uses the placement nearest the transcript's 3' end. VCF-style (leftmost placement, unchanged base first): chr8-144318737-CAA-C. GRCh37 (hg19) VCF-style: chr8-145542400-CAA-C.
Other names: short protein forms F143fs.
Identifiers: ClinVar variation 2778046 (VCV002778046.3), dbSNP rs1817344544, ClinGen allele CA1120256452.

ClinVar aggregate classification (germline): Pathogenic (1 of 4 stars; one submission).

Submission:

Labcorp Genetics (formerly Invitae), Labcorp
Classification: Pathogenic. Last evaluated: 2023-03-28. Review status: criteria provided, single submitter. Criteria: Invitae Variant Classification Sherloc (09022015). Collection method: clinical testing. Allele origin: germline.
Comment: This sequence change creates a premature translational stop signal (p.Phe143Cysfs*8) in the DGAT1 gene. It is expected to result in an absent or disrupted protein product. Loss-of-function variants in DGAT1 are known to be pathogenic (PMID: 29604290). For these reasons, this variant has been classified as Pathogenic. This premature translational stop signal has been observed in individual(s) with congenital diarrhea (PMID: 33607125). This variant is not present in population databases (gnomAD no frequency).

Literature cited by the submitters: PubMed 29604290; PubMed 33607125.